The following is an entry in ClinVar:

ClinVar aggregate classification (germline): Pathogenic (1 of 4 stars; one submission).

Conditions:
Intellectual developmental disorder with autism and macrocephaly. Also called: Autism, susceptibility to, 18; CHD8-Related Neurodevelopmental Disorder with Overgrowth. Identifiers: Orphanet 642675, MedGen C3554373, MONDO:0014017, OMIM 615032.

Submission:

MGZ Medical Genetics Center
Classification: Pathogenic for Intellectual developmental disorder with autism and macrocephaly. Last evaluated: 2022-08-01. Review status: criteria provided, single submitter. Criteria: ACMG Guidelines, 2015. Collection method: clinical testing. Allele origin: germline. Affected: yes. Observed: 1 variant allele.
Comment: ACMG criteria applied: PVS1, PS2_MOD, PM2_SUP

NM_001170629.2(CHD8):c.1473_1477delinsAGGAA (p.Ser491_Val492delinsArgGly)

Gene: CHD8 (chromodomain helicase DNA binding protein 8; minus strand). Cytogenetic location: 14q11.2.
Variant type: Indel.
Coding change: c.1473_1477delinsAGGAA on transcript NM_001170629.2 (MANE Select); coding-DNA positions 1473 to 1477, CGTTC replaced by AGGAA.
Protein change: p.Ser491_Val492delinsArgGly.
Molecular consequence: missense variant.
Genome position (GRCh38, 1-based): chr14:21,427,993-21,427,997, GAACG replaced by TTCCT on the plus strand (CGTTC replaced by AGGAA on the coding strand, the reverse complement: CHD8 is on the minus strand). VCF-style: chr14-21427993-GAACG-TTCCT. GRCh37 (hg19) VCF-style: chr14-21896152-GAACG-TTCCT.
Other names: c.636_640delinsAGGAA, p.Ser212_Val213delinsArgGly (NM_020920.4).
Identifiers: ClinVar variation 1709073 (VCV001709073.2), dbSNP rs2502002296, ClinGen allele CA2580087833.
Genomic context (GRCh38, chr14:21,427,993, plus strand): 5'-CTTTCAGCCTCTCCCCAGCACTCTTCTTCCTGCGTTTCTTCTCGCCTTCCTCCTCTGGCC[GAACG>TTCCT]CTGGGCAACTCGTCCTCATTTAAGACTCGAGGTATGTTCTGCTCACCGCGGGCACGGGCT-3'